The following is an entry in ClinVar:

NM_003823.4(TNFRSF6B):c.557C>T (p.Ser186Phe)

Genes: RTEL1-TNFRSF6B (RTEL1-TNFRSF6B readthrough (NMD candidate); plus strand), TNFRSF6B (TNF receptor superfamily member 6b; plus strand). Cytogenetic location: 20q13.33.
Variant type: single nucleotide variant.
Coding change: c.557C>T on transcript NM_003823.4 (MANE Select); coding-DNA position 557, C replaced by T.
Protein change: p.Ser186Phe; replaces serine 186 with phenylalanine.
Molecular consequence: missense variant. On other transcripts: non-coding transcript variant (1).
Genome position (GRCh38, 1-based): chr20:63,697,460, C>T. VCF-style: chr20-63697460-C-T. GRCh37 (hg19) VCF-style: chr20-62328813-C-T.
Other names: short protein forms S186F.
Identifiers: ClinVar variation 1519460 (VCV001519460.8), dbSNP rs1323152946, ClinGen allele CA409711698.

ClinVar aggregate classification (germline): Uncertain significance (1 of 4 stars; one submission).

gnomAD v4.1: 2 of 1,593,160 alleles (0.00013%); highest among the groups gnomAD compares: Middle Eastern, 0.017%; no homozygotes.

Submission:

Labcorp Genetics (formerly Invitae), Labcorp
Classification: Uncertain significance. Last evaluated: 2021-08-19. Review status: criteria provided, single submitter. Criteria: Invitae Variant Classification Sherloc (09022015). Collection method: clinical testing. Allele origin: germline.
Comment: In summary, the available evidence is currently insufficient to determine the role of this variant in disease. Therefore, it has been classified as a Variant of Uncertain Significance. Algorithms developed to predict the effect of missense changes on protein structure and function output the following: SIFT: "Deleterious"; PolyPhen-2: "Possibly Damaging"; Align-GVGD: "Class C0". The phenylalanine amino acid residue is found in multiple mammalian species, suggesting that this missense change does not adversely affect protein function. These predictions have not been confirmed by published functional studies and their clinical significance is uncertain. This variant has not been reported in the literature in individuals with TNFRSF6B-related conditions. This variant is not present in population databases (ExAC no frequency). This sequence change replaces serine with phenylalanine at codon 186 of the TNFRSF6B protein (p.Ser186Phe). The serine residue is moderately conserved and there is a large physicochemical difference between serine and phenylalanine.